The following is an entry in ClinVar:

ClinVar aggregate classification (germline): Likely benign (0 of 4 stars; one submission).

Conditions:
TMEM107-related disorder. Also called: TMEM107-related condition.

Allele frequency attached by ClinVar (database versions not stated): ExAC 0.00004; TOPMed 0.00006; gnomAD exomes 0.00007; 1000 Genomes Project 30x 0.00016.

Submission:

PreventionGenetics, part of Exact Sciences
Classification: Likely benign for TMEM107-related condition. Last evaluated: 2021-03-30. Review status: no assertion criteria provided. Collection method: clinical testing. Allele origin: germline.
Comment: This variant is classified as likely benign based on ACMG/AMP sequence variant interpretation guidelines (Richards et al. 2015 PMID: 25741868, with internal and published modifications).

NM_183065.4(TMEM107):c.*666_*667insT

Genes: SNORD118 (small nucleolar RNA, C/D box 118; minus strand), TMEM107 (transmembrane protein 107; minus strand). Cytogenetic location: 17p13.1.
Variant type: Insertion.
Coding change: c.*666_*667insT on transcript NM_183065.4 (MANE Select); 666 bases downstream of the stop codon through 667 bases downstream of the stop codon, T inserted.
Molecular consequence: 3 prime UTR variant. On other transcripts: non-coding transcript variant (2).
Genome position: GRCh38 VCF-style: chr17-8173536-T-TA. GRCh37 (hg19) VCF-style: chr17-8076854-T-TA.
Other names: c.*666_*667insT (NM_001351278.2, NM_001351279.2, NM_001351280.2 and 1 more transcripts).
Identifiers: ClinVar variation 3030434 (VCV003030434.2), dbSNP rs757824735, ClinGen allele CA8370724.